The following is an entry in ClinVar:

ClinVar aggregate classification (germline): Likely benign (1 of 4 stars; one submission).

Submission:

GeneDx
Classification: Likely benign. Last evaluated: 2016-12-06. Review status: criteria provided, single submitter. Criteria: GeneDx Variant Classification (06012015). Collection method: clinical testing. Allele origin: germline. Affected: yes.
Comment: This variant is considered likely benign or benign based on one or more of the following criteria: it is a conservative change, it occurs at a poorly conserved position in the protein, it is predicted to be benign by multiple in silico algorithms, and/or has population frequency not consistent with disease.

NM_001330078.2(NRXN1):c.832+14T>G

Gene: NRXN1 (neurexin 1; minus strand). Cytogenetic location: 2p16.3.
Variant type: single nucleotide variant.
Coding change: c.832+14T>G on transcript NM_001330078.2 (MANE Select); 14 bases into the intron after coding-DNA position 832, T replaced by G.
Molecular consequence: intron variant.
Genome position (GRCh38, 1-based): chr2:50,921,855, A>C on the plus strand (T>G on the coding strand, the complement: NRXN1 is on the minus strand). VCF-style: chr2-50921855-A-C. GRCh37 (hg19) VCF-style: chr2-51148993-A-C.
Other names: c.772+105647T>G (NM_001330096.2, NM_001330087.2, NM_001330083.2 and 1 more transcripts); c.802+803T>G (NM_001330088.2); c.829+14T>G (NM_001330093.2, NM_001330079.2); c.820+803T>G (NM_001330094.2); c.832+14T>G (NM_001330095.2, NM_001330082.2, NM_001330077.2 and 5 more transcripts); c.931+14T>G (NM_001135659.3).
Identifiers: ClinVar variation 391466 (VCV000391466.1), dbSNP rs1057524092, ClinGen allele CA16604363.